The following is an entry in ClinVar:

ClinVar aggregate classification (germline): Uncertain significance (1 of 4 stars; one submission).

Allele frequency attached by ClinVar (database versions not stated): gnomAD exomes below 0.00001; ExAC 0.00002.
gnomAD v4.1: 1 of 1,594,238 alleles (0.000063%); highest among the groups gnomAD compares: Admixed American, 0.0017%; no homozygotes.

Submission:

Labcorp Genetics (formerly Invitae), Labcorp
Classification: Uncertain significance. Last evaluated: 2025-04-28. Review status: criteria provided, single submitter. Criteria: Invitae Variant Classification Sherloc (09022015). Collection method: clinical testing. Allele origin: germline.
Comment: This sequence change falls in intron 24 of the COL9A3 gene. It does not directly change the encoded amino acid sequence of the COL9A3 protein. It affects a nucleotide within the consensus splice site. The frequency data for this variant in the population databases is considered unreliable, as metrics indicate poor data quality at this position in the gnomAD database. This variant has not been reported in the literature in individuals affected with COL9A3-related conditions. ClinVar contains an entry for this variant (Variation ID: 1469700). Variants that disrupt the consensus splice site are a relatively common cause of aberrant splicing (PMID: 17576681, 9536098). Algorithms developed to predict the effect of sequence changes on RNA splicing suggest that this variant is not likely to affect RNA splicing. In summary, the available evidence is currently insufficient to determine the role of this variant in disease. Therefore, it has been classified as a Variant of Uncertain Significance.

Literature cited by the submitters: PubMed 17576681; PubMed 9536098.

NM_001853.4(COL9A3):c.1287+4A>G

Gene: COL9A3 (collagen type IX alpha 3 chain; plus strand). Cytogenetic location: 20q13.33.
Variant type: single nucleotide variant.
Coding change: c.1287+4A>G on transcript NM_001853.4 (MANE Select); 4 bases into the intron after coding-DNA position 1287, A replaced by G.
Molecular consequence: intron variant.
Genome position (GRCh38, 1-based): chr20:62,830,592, A>G. VCF-style: chr20-62830592-A-G. GRCh37 (hg19) VCF-style: chr20-61461944-A-G.
Identifiers: ClinVar variation 1469700 (VCV001469700.6), dbSNP rs754929176, ClinGen allele CA9949864.